The following is an entry in ClinVar:

ClinVar aggregate classification (germline): Likely benign (1 of 4 stars; one submission).

Submission:

CeGaT Center for Human Genetics Tuebingen
Classification: Likely benign. Last evaluated: 2025-11-01. Review status: criteria provided, single submitter. Criteria: CeGaT Center For Human Genetics Tuebingen Variant Classification Criteria Version 2. Collection method: clinical testing. Allele origin: germline. Affected: yes. Observed: 1 variant allele.
Comment: MAFA: BP4, BP7

NM_201589.4(MAFA):c.462G>C (p.Ala154=)

Gene: MAFA (MAF bZIP transcription factor A; minus strand). Cytogenetic location: 8q24.3.
Variant type: single nucleotide variant.
Coding change: c.462G>C on transcript NM_201589.4 (MANE Select); coding-DNA position 462, G replaced by C.
Protein change: p.Ala154=; no amino-acid change (alanine 154 retained).
Molecular consequence: synonymous variant.
Genome position (GRCh38, 1-based): chr8:143,429,945, C>G on the plus strand (G>C on the coding strand, the complement: MAFA is on the minus strand). VCF-style: chr8-143429945-C-G. GRCh37 (hg19) VCF-style: chr8-144512115-C-G.
Identifiers: ClinVar variation 4534125 (VCV004534125.6).
Genomic context (GRCh38, chr8:143,429,945, plus strand): 5'-GCCGCCCGCGAAGCCCGGGCCGCGGAAAGCCTCGTAGGCTGCGGCGGCCGCCGGGTGGTG[C>G]GCGCCGTGGTGCGCGCCGTGGTGGCCGCTGCCGATGAGCGCCTCCACCGCGTCCTCGGGC-3'
Protein context (NP_963883.2, residues 144-164): GSGHHGAHHG[Ala154=]HHPAAAAAYE